The following is an entry in ClinVar:

NM_001378454.1(ALMS1):c.1139T>C (p.Ile380Thr)

Gene: ALMS1 (ALMS1 centrosome and basal body associated protein; plus strand). Cytogenetic location: 2p13.1.
Variant type: single nucleotide variant.
Coding change: c.1139T>C on transcript NM_001378454.1 (MANE Select); coding-DNA position 1139, T replaced by C.
Protein change: p.Ile380Thr; replaces isoleucine 380 with threonine.
Molecular consequence: missense variant.
Genome position (GRCh38, 1-based): chr2:73,424,804, T>C. VCF-style: chr2-73424804-T-C. GRCh37 (hg19) VCF-style: chr2-73651932-T-C.
Other names: c.1142T>C, p.Ile381Thr (NM_015120.4); short protein forms I380T, I381T.
Identifiers: ClinVar variation 941316 (VCV000941316.15), dbSNP rs199872225, ClinGen allele CA1713055.

ClinVar aggregate classification (germline): Conflicting classifications of pathogenicity. Review status: criteria provided, conflicting classifications (1 of 4 stars). 7 submissions from 7 submitters: Uncertain significance (5); Likely benign (1). 1 of the submissions does not count toward it. Last evaluated 2026-04-24.

Conditions:
Cardiovascular phenotype. Identifiers: MedGen CN230736.
Alstrom syndrome (ALMS). Identifiers: Orphanet 64, MedGen C0268425, MONDO:0008763, OMIM 203800.

Allele frequency attached by ClinVar (database versions not stated): gnomAD exomes 0.00001 and 0.00002; gnomAD 0.00002 and 0.00003; ExAC 0.00005; TOPMed 0.00006; ESP Exome Variant Server 0.00008; 1000 Genomes Project 0.00020; 1000 Genomes Project 30x 0.00031.

Submissions (7):

Women's Health and Genetics/Laboratory Corporation of America, LabCorp
Classification: Uncertain significance. Last evaluated: 2026-04-24. Review status: criteria provided, single submitter. Criteria: LabCorp Variant Classification Summary - May 2015. Collection method: clinical testing. Allele origin: germline.

GeneDx
Classification: Uncertain significance. Last evaluated: 2025-06-11. Review status: criteria provided, single submitter. Criteria: GeneDx Variant Classification Process June 2021. Collection method: clinical testing. Allele origin: germline. Affected: yes.
Comment: In silico analysis indicates that this missense variant does not alter protein structure/function; Has not been previously published as pathogenic or benign to our knowledge

Ambry Genetics
Classification: Likely benign for Cardiovascular phenotype. Last evaluated: 2025-03-19. Review status: criteria provided, single submitter. Criteria: Ambry Variant Classification Scheme 2023. Collection method: clinical testing. Allele origin: germline.

Blueprint Genetics
Classification: Uncertain significance. Last evaluated: 2022-10-27. Review status: criteria provided, single submitter. Criteria: ACMG Guidelines, 2015. Collection method: clinical testing. Allele origin: germline.

Labcorp Genetics (formerly Invitae), Labcorp
Classification: Uncertain significance for Alstrom syndrome. Last evaluated: 2022-10-17. Review status: criteria provided, single submitter. Criteria: Invitae Variant Classification Sherloc (09022015). Collection method: clinical testing. Allele origin: germline.
Comment: This sequence change replaces isoleucine, which is neutral and non-polar, with threonine, which is neutral and polar, at codon 381 of the ALMS1 protein (p.Ile381Thr). This variant is present in population databases (rs199872225, gnomAD 0.02%). This variant has not been reported in the literature in individuals affected with ALMS1-related conditions. ClinVar contains an entry for this variant (Variation ID: 941316). Experimental studies and prediction algorithms are not available or were not evaluated, and the functional significance of this variant is currently unknown. In summary, the available evidence is currently insufficient to determine the role of this variant in disease. Therefore, it has been classified as a Variant of Uncertain Significance.

Fulgent Genetics
Classification: Uncertain significance for Alstrom syndrome. Last evaluated: 2022-03-22. Review status: criteria provided, single submitter. Criteria: ACMG Guidelines, 2015. Collection method: clinical testing. Allele origin: unknown.

Natera, Inc.
Classification: Uncertain significance for Alstrom syndrome. Last evaluated: 2020-03-11. Review status: no assertion criteria provided. Collection method: clinical testing. Allele origin: germline. Not counted in ClinVar's aggregate classification.